The following is an entry in ClinVar:

ClinVar aggregate classification (germline): Uncertain significance (1 of 4 stars; one submission).

Conditions:
Emery-Dreifuss muscular dystrophy 5, autosomal dominant (EDMD5). Also called: EMERY-DREIFUSS MUSCULAR DYSTROPHY 5. Identifiers: Orphanet 261, MedGen C2751805, MONDO:0013072, OMIM 612999.

Allele frequency attached by ClinVar (database versions not stated): TOPMed below 0.00001.

Submission:

Labcorp Genetics (formerly Invitae), Labcorp
Classification: Uncertain significance for Emery-Dreifuss muscular dystrophy 5, autosomal dominant. Last evaluated: 2022-10-13. Review status: criteria provided, single submitter. Criteria: Invitae Variant Classification Sherloc (09022015). Collection method: clinical testing. Allele origin: germline.
Comment: In summary, the available evidence is currently insufficient to determine the role of this variant in disease. Therefore, it has been classified as a Variant of Uncertain Significance. Algorithms developed to predict the effect of missense changes on protein structure and function are either unavailable or do not agree on the potential impact of this missense change (SIFT: "Deleterious"; PolyPhen-2: "Probably Damaging"; Align-GVGD: "Class C0"). This variant has not been reported in the literature in individuals affected with SYNE2-related conditions. This variant is not present in population databases (gnomAD no frequency). This sequence change replaces aspartic acid, which is acidic and polar, with tyrosine, which is neutral and polar, at codon 1849 of the SYNE2 protein (p.Asp1849Tyr).

NM_182914.3(SYNE2):c.5545G>T (p.Asp1849Tyr)

Gene: SYNE2 (spectrin repeat containing nuclear envelope protein 2; plus strand). Cytogenetic location: 14q23.2.
Variant type: single nucleotide variant.
Coding change: c.5545G>T on transcript NM_182914.3 (MANE Select); coding-DNA position 5545, G replaced by T.
Protein change: p.Asp1849Tyr; replaces aspartic acid 1849 with tyrosine.
Molecular consequence: missense variant.
Genome position (GRCh38, 1-based): chr14:64,022,771, G>T. VCF-style: chr14-64022771-G-T. GRCh37 (hg19) VCF-style: chr14-64489489-G-T.
Other names: c.5545G>T, p.Asp1849Tyr (NM_015180.6); short protein forms D1849Y.
Identifiers: ClinVar variation 2090915 (VCV002090915.4), dbSNP rs1435972003, ClinGen allele CA389942158.